The following is an entry in ClinVar:

ClinVar aggregate classification (germline): Pathogenic (1 of 4 stars; one submission).

Submission:

Labcorp Genetics (formerly Invitae), Labcorp
Classification: Pathogenic. Last evaluated: 2025-07-13. Review status: criteria provided, single submitter. Criteria: Invitae Variant Classification Sherloc (09022015). Collection method: clinical testing. Allele origin: germline.
Comment: This sequence change creates a premature translational stop signal (p.Tyr104Trpfs*57) in the SLC26A3 gene. It is expected to result in an absent or disrupted protein product. Loss-of-function variants in SLC26A3 are known to be pathogenic (PMID: 9718329, 21394828). This variant is not present in population databases (gnomAD no frequency). This variant has not been reported in the literature in individuals affected with SLC26A3-related conditions. For these reasons, this variant has been classified as Pathogenic.

Literature cited by the submitters: PubMed 9718329; PubMed 21394828.

NM_000111.3(SLC26A3):c.311_312del (p.Tyr104fs)

Gene: SLC26A3 (solute carrier family 26 member 3; minus strand). Cytogenetic location: 7q22.3.
Variant type: Deletion.
Coding change: c.311_312del on transcript NM_000111.3 (MANE Select); coding-DNA positions 311 to 312, 2 bases deleted (AT; older notation c.311_312delAT).
Protein change: p.Tyr104fs; shifts the reading frame from tyrosine 104.
Molecular consequence: frameshift variant.
Genome position (GRCh38, 1-based): chr7:107,791,900-107,791,901, AT deleted on the plus strand (AT on the coding strand, the reverse complement: SLC26A3 is on the minus strand); deleting any 2 consecutive bases within chr7:107,791,900-107,791,902 gives the same sequence; the c. name uses the placement nearest the transcript's 3' end. VCF-style (leftmost placement, unchanged base first): chr7-107791899-CAT-C. GRCh37 (hg19) VCF-style: chr7-107432344-CAT-C.
Other names: short protein forms Y104fs.
Identifiers: ClinVar variation 4723081 (VCV004723081.1).